The following is an entry in ClinVar:

NM_001256071.3(RNF213):c.7831G>A (p.Gly2611Arg)

Gene: RNF213 (ring finger protein 213; plus strand). Cytogenetic location: 17q25.3.
Variant type: single nucleotide variant.
Coding change: c.7831G>A on transcript NM_001256071.3 (MANE Select); coding-DNA position 7831, G replaced by A.
Protein change: p.Gly2611Arg; replaces glycine 2611 with arginine.
Molecular consequence: missense variant.
Genome position (GRCh38, 1-based): chr17:80,346,166, G>A. VCF-style: chr17-80346166-G-A. GRCh37 (hg19) VCF-style: chr17-78319966-G-A.
Other names: p.Gly2611Arg; short protein forms G2611R.
Identifiers: ClinVar variation 720540 (VCV000720540.12), dbSNP rs116594105, ClinGen allele CA8820814.

ClinVar aggregate classification (germline): Benign/Likely benign. Review status: criteria provided, multiple submitters, no conflicts (2 of 4 stars). 5 submissions from 5 submitters: Benign (3); Likely benign (1). 1 of the submissions does not count toward it. Last evaluated 2026-01-25.

Conditions:
RNF213-related disorder. Also called: RNF213-related condition.

Allele frequency attached by ClinVar (database versions not stated): gnomAD exomes 0.00047 and 0.00134; ExAC 0.00172; 1000 Genomes Project 0.00379; 1000 Genomes Project 30x 0.00437; ESP Exome Variant Server 0.00446; gnomAD 0.00504 and 0.00544; TOPMed 0.00569.
gnomAD v4.1: 1,487 of 1,614,098 alleles (0.092%); highest among the groups gnomAD compares: African/African-American, 1.7%; 10 homozygotes.

Submissions (5):

Labcorp Genetics (formerly Invitae), Labcorp
Classification: Benign. Last evaluated: 2026-01-25. Review status: criteria provided, single submitter. Criteria: Invitae Variant Classification Sherloc (09022015). Collection method: clinical testing. Allele origin: germline.

Blueprint Genetics
Classification: Likely benign. Last evaluated: 2024-11-13. Review status: criteria provided, single submitter. Criteria: ACMG Guidelines, 2015. Collection method: clinical testing. Allele origin: germline.

Mayo Clinic Laboratories, Mayo Clinic
Classification: Benign. Last evaluated: 2023-06-30. Review status: criteria provided, single submitter. Criteria: ACMG Guidelines, 2015. Collection method: clinical testing. Allele origin: germline. Observed: 3 variant alleles.
Comment: BS1, BS2, BP4

Breakthrough Genomics
Classification: Benign. Review status: criteria provided, single submitter. Criteria: ACMG Guidelines, 2015. Collection method: not provided. Allele origin: germline. Inheritance: Autosomal dominant inheritance. Affected: yes.

PreventionGenetics, part of Exact Sciences
Classification: Benign for RNF213-related condition. Last evaluated: 2019-05-27. Review status: no assertion criteria provided. Collection method: clinical testing. Allele origin: germline. Not counted in ClinVar's aggregate classification.
Comment: This variant is classified as benign based on ACMG/AMP sequence variant interpretation guidelines (Richards et al. 2015 PMID: 25741868, with internal and published modifications).